The following is an entry in ClinVar:

NC_000010.10:g.(?_225953)_(298410_?)dup

Gene: ZMYND11 (zinc finger MYND-type containing 11; plus strand). Cytogenetic location: 10p15.3.
Variant type: Duplication.
Identifiers: ClinVar variation 2425625 (VCV002425625.3).

ClinVar aggregate classification (germline): Uncertain significance (1 of 4 stars; one submission).

Submission:

Labcorp Genetics (formerly Invitae), Labcorp
Classification: Uncertain significance. Last evaluated: 2022-09-16. Review status: criteria provided, single submitter. Criteria: Invitae Variant Classification Sherloc (09022015). Collection method: clinical testing. Allele origin: germline.
Comment: A copy number gain of the genomic region encompassing the full coding sequence of the ZMYND11 gene has been identified. The boundaries of this event are unknown as they extend beyond the assayed region for this gene and therefore may encompass additional genes. As the precise location of this event is unknown, it may be in tandem or it may be located elsewhere in the genome. A similar copy number variant has been observed in individual(s) with autism (PMID: 23375656). In summary, the available evidence is currently insufficient to determine the role of this variant in disease. Therefore, it has been classified as a Variant of Uncertain Significance.

Literature cited by the submitters: PubMed 23375656.